The following is an entry in ClinVar:

ClinVar aggregate classification (germline): Conflicting classifications of pathogenicity. Review status: criteria provided, conflicting classifications (1 of 4 stars). 5 submissions from 5 submitters: Uncertain significance (2); Likely benign (1). 2 of the submissions do not count toward it. Last evaluated 2025-03-10.

Conditions:
CASP10-related disorder. Also called: CASP10-related condition.
Autoimmune lymphoproliferative syndrome type 2A (ALPS2A). Also called: AUTOIMMUNE LYMPHOPROLIFERATIVE SYNDROME, TYPE IIA; CASP10-Related Autoimmune Lymphoproliferative Syndrome; Autoimmune lymphoproliferative syndrome type 2. Identifiers: Orphanet 3261, MedGen C1858968, MONDO:0011383, OMIM 603909.

Allele frequency attached by ClinVar (database versions not stated): gnomAD exomes 0.00001 and 0.00002; ExAC 0.00004; gnomAD 0.00017 and 0.00020; TOPMed 0.00018.
gnomAD v4.1: 39 of 1,613,912 alleles (0.0024%); highest among the groups gnomAD compares: African/African-American, 0.047%; 1 homozygote.

Submissions (5):

PreventionGenetics, part of Exact Sciences
Classification: Uncertain significance for CASP10-related condition. Last evaluated: 2025-03-10. Review status: criteria provided, single submitter. Criteria: ACMG Guidelines, 2015. Collection method: clinical testing. Allele origin: germline.
Comment: The CASP10 c.853C>T variant is predicted to result in the amino acid substitution p.Leu285Phe. Using an alternate transcript, this variant is also referred to as c.724C>T (p.Leu242Phe). This variant was reported in an individual with nonmalignant adenopathy, hepatosplenomegaly, hemolytic anemia, hypergammaglobulinemia, accumulation of single-positive T and B cells indicating loss of lymphocyte homeostasis (Wang et al. 1999. PubMed ID: 10412980). This variant is reported in 0.028% of alleles in individuals of African descent in gnomAD. Although we suspect that this variant may be pathogenic, at this time, the clinical significance of this variant is uncertain due to the absence of conclusive functional and genetic evidence.

Labcorp Genetics (formerly Invitae), Labcorp
Classification: Uncertain significance for Autoimmune lymphoproliferative syndrome type 2A. Last evaluated: 2025-03-05. Review status: criteria provided, single submitter. Criteria: Invitae Variant Classification Sherloc (09022015). Collection method: clinical testing. Allele origin: germline.
Comment: This sequence change replaces leucine, which is neutral and non-polar, with phenylalanine, which is neutral and non-polar, at codon 285 of the CASP10 protein (p.Leu285Phe). This variant is present in population databases (rs17860403, gnomAD 0.03%). This missense change has been observed in individual(s) with clinical features of autoimmune lymphoproliferative syndrome (PMID: 10412980). ClinVar contains an entry for this variant (Variation ID: 7764). Invitae Evidence Modeling of protein sequence and biophysical properties (such as structural, functional, and spatial information, amino acid conservation, physicochemical variation, residue mobility, and thermodynamic stability) indicates that this missense variant is not expected to disrupt CASP10 protein function with a negative predictive value of 80%. Experimental studies have shown that this missense change affects CASP10 function (PMID: 10412980, 16446975, 27799292). In summary, the available evidence is currently insufficient to determine the role of this variant in disease. Therefore, it has been classified as a Variant of Uncertain Significance.

Blueprint Genetics
Classification: Likely benign. Last evaluated: 2024-11-26. Review status: criteria provided, single submitter. Criteria: ACMG Guidelines, 2015. Collection method: clinical testing. Allele origin: germline.

OMIM
Classification: Pathogenic for AUTOIMMUNE LYMPHOPROLIFERATIVE SYNDROME, TYPE IIA. Last evaluated: 1999-07-09. Review status: no assertion criteria provided. Collection method: literature only. Allele origin: germline. Not counted in ClinVar's aggregate classification.

GeneReviews
No classification provided. Condition: Autoimmune lymphoproliferative syndrome type 2A. Review status: no classification provided. Collection method: literature only. Allele origin: germline. Not counted in ClinVar's aggregate classification.

Literature cited by the submitters: PubMed 10412980 (cited by Labcorp Genetics (formerly Invitae), Labcorp and OMIM); PubMed 16446975 (cited by Labcorp Genetics (formerly Invitae), Labcorp); PubMed 27799292 (cited by Labcorp Genetics (formerly Invitae), Labcorp); NCBI Bookshelf NBK1108 (cited by GeneReviews).

NM_032977.4(CASP10):c.853C>T (p.Leu285Phe)

Gene: CASP10 (caspase 10; plus strand). Cytogenetic location: 2q33.1.
Variant type: single nucleotide variant.
Coding change: c.853C>T on transcript NM_032977.4 (MANE Select); coding-DNA position 853, C replaced by T.
Protein change: p.Leu285Phe; replaces leucine 285 with phenylalanine.
Molecular consequence: missense variant. On other transcripts: intron variant (1).
Genome position (GRCh38, 1-based): chr2:201,208,114, C>T. VCF-style: chr2-201208114-C-T. GRCh37 (hg19) VCF-style: chr2-202072837-C-T.
Other names: c.724C>T, p.Leu242Phe (NM_001206542.2, NM_001230.5); c.853C>T, p.Leu285Phe (NM_032974.5); c.761C>T, p.Pro254Leu (NM_032976.4); c.722-956C>T (NM_001206524.2); short protein forms L285F, P254L, L242F.
Identifiers: ClinVar variation 7764 (VCV000007764.17), dbSNP rs17860403, ClinGen allele CA340692.